The following is an entry in ClinVar:

NM_053025.4(MYLK):c.2734G>A (p.Glu912Lys)

Gene: MYLK (myosin light chain kinase; minus strand). Cytogenetic location: 3q21.1.
Variant type: single nucleotide variant.
Coding change: c.2734G>A on transcript NM_053025.4 (MANE Select); coding-DNA position 2734, G replaced by A.
Protein change: p.Glu912Lys; replaces glutamic acid 912 with lysine.
Molecular consequence: missense variant.
Genome position (GRCh38, 1-based): chr3:123,700,734, C>T on the plus strand (G>A on the coding strand, the complement: MYLK is on the minus strand). VCF-style: chr3-123700734-C-T. GRCh37 (hg19) VCF-style: chr3-123419581-C-T.
Other names: c.2206G>A, p.Glu736Lys (NM_001321309.2); c.2527G>A, p.Glu843Lys (NM_053026.4, NM_053028.4); c.2734G>A, p.Glu912Lys (NM_053027.4); short protein forms E912K, E843K, E736K.
Identifiers: ClinVar variation 3297620 (VCV003297620.1).

ClinVar aggregate classification (germline): Uncertain significance (1 of 4 stars; one submission).

Conditions:
Familial thoracic aortic aneurysm and aortic dissection (TAAD). Also called: Thoracic aortic aneurysms and dissections. Identifiers: Orphanet 91387, MedGen C4707243, MONDO:0019625.

gnomAD v4.1: 2 of 1,614,176 alleles (0.00012%); highest among the groups gnomAD compares: Non-Finnish European, 0.00017%; no homozygotes.

Submission:

Ambry Genetics
Classification: Uncertain significance for Familial thoracic aortic aneurysm and aortic dissection. Last evaluated: 2024-06-12. Review status: criteria provided, single submitter. Criteria: Ambry Variant Classification Scheme 2023. Collection method: clinical testing. Allele origin: germline.
Comment: The p.E912K variant (also known as c.2734G>A), located in coding exon 15 of the MYLK gene, results from a G to A substitution at nucleotide position 2734. The glutamic acid at codon 912 is replaced by lysine, an amino acid with similar properties. This amino acid position is conserved. In addition, the in silico prediction for this alteration is inconclusive. Based on the available evidence, the clinical significance of this variant remains unclear.